The following is an entry in ClinVar:

NM_001379200.1(TBX1):c.480T>A (p.Asp160Glu)

Gene: TBX1 (T-box transcription factor 1; plus strand). Cytogenetic location: 22q11.21.
Variant type: single nucleotide variant.
Coding change: c.480T>A on transcript NM_001379200.1 (MANE Select); coding-DNA position 480, T replaced by A.
Protein change: p.Asp160Glu; replaces aspartic acid 160 with glutamic acid.
Molecular consequence: missense variant.
Genome position (GRCh38, 1-based): chr22:19,763,283, T>A. VCF-style: chr22-19763283-T-A. GRCh37 (hg19) VCF-style: chr22-19750806-T-A.
Other names: c.453T>A, p.Asp151Glu (NM_005992.1, NM_080646.2, NM_080647.1); short protein forms D151E, D160E.
Identifiers: ClinVar variation 1055960 (VCV001055960.10), dbSNP rs778041960, ClinGen allele CA10102446.

ClinVar aggregate classification (germline): Uncertain significance. Review status: criteria provided, single submitter (1 of 4 stars). 2 submissions from 2 submitters: Uncertain significance (1). 1 of the submissions does not count toward it. Last evaluated 2020-05-04.

Conditions:
TBX1-related disorder. Also called: TBX1-Related Disorders; TBX1-related condition.
DiGeorge syndrome. Also called: Catch22; THIRD AND FOURTH PHARYNGEAL POUCH SYNDROME. Identifiers: Orphanet 567, MedGen C0012236, MONDO:0008564, OMIM 188400.

Allele frequency attached by ClinVar (database versions not stated): gnomAD exomes below 0.00001 and 0.00002; gnomAD 0.00001; ExAC 0.00002.
gnomAD v4.1: 8 of 1,614,030 alleles (0.0005%); highest among the groups gnomAD compares: East Asian, 0.0045%; no homozygotes.

Submissions (2):

Labcorp Genetics (formerly Invitae), Labcorp
Classification: Uncertain significance for DiGeorge syndrome. Last evaluated: 2020-05-04. Review status: criteria provided, single submitter. Criteria: Invitae Variant Classification Sherloc (09022015). Collection method: clinical testing. Allele origin: germline.
Comment: This sequence change replaces aspartic acid with glutamic acid at codon 151 of the TBX1 protein (p.Asp151Glu). The aspartic acid residue is highly conserved and there is a small physicochemical difference between aspartic acid and glutamic acid. In summary, the available evidence is currently insufficient to determine the role of this variant in disease. Therefore, it has been classified as a Variant of Uncertain Significance. Algorithms developed to predict the effect of missense changes on protein structure and function are either unavailable or do not agree on the potential impact of this missense change (SIFT: "Deleterious"; PolyPhen-2: "Probably Damaging"; Align-GVGD: "Class C0"). This variant has not been reported in the literature in individuals with TBX1-related conditions. This variant is present in population databases (rs778041960, ExAC 0.01%).

PreventionGenetics, part of Exact Sciences
Classification: Uncertain significance for TBX1-related condition. Last evaluated: 2024-06-06. Review status: no assertion criteria provided. Collection method: clinical testing. Allele origin: germline. Not counted in ClinVar's aggregate classification.
Comment: The TBX1 c.453T>A variant is predicted to result in the amino acid substitution p.Asp151Glu. This variant has been reported in an individual with schizophrenia (Ping et al. 2016. PubMed ID: 27879657). This variant is reported in 0.016% of alleles in individuals of East Asian descent in gnomAD. At this time, the clinical significance of this variant is uncertain due to the absence of conclusive functional and genetic evidence.